The following is an entry in ClinVar:

ClinVar aggregate classification (germline): Benign (0 of 4 stars; one submission).

Conditions:
BSN-related disorder. Also called: BSN-related condition.

Allele frequency attached by ClinVar (database versions not stated): gnomAD exomes 0.00168; ExAC 0.00470; gnomAD 0.01167; ESP Exome Variant Server 0.01229; TOPMed 0.01275; 1000 Genomes Project 0.01318; 1000 Genomes Project 30x 0.01374.
gnomAD v4.1: 4,323 of 1,612,830 alleles (0.27%); highest among the groups gnomAD compares: African/African-American, 3.9%; 72 homozygotes.

Submission:

PreventionGenetics, part of Exact Sciences
Classification: Benign for BSN-related condition. Last evaluated: 2019-10-01. Review status: no assertion criteria provided. Collection method: clinical testing. Allele origin: germline.
Comment: This variant is classified as benign based on ACMG/AMP sequence variant interpretation guidelines (Richards et al. 2015 PMID: 25741868, with internal and published modifications).

NM_003458.4(BSN):c.3695C>T (p.Thr1232Ile)

Gene: BSN (bassoon presynaptic cytomatrix protein; plus strand). Cytogenetic location: 3p21.31.
Variant type: single nucleotide variant.
Coding change: c.3695C>T on transcript NM_003458.4 (MANE Select); coding-DNA position 3695, C replaced by T.
Protein change: p.Thr1232Ile; replaces threonine 1232 with isoleucine.
Molecular consequence: missense variant.
Genome position (GRCh38, 1-based): chr3:49,653,251, C>T. VCF-style: chr3-49653251-C-T. GRCh37 (hg19) VCF-style: chr3-49690684-C-T.
Other names: short protein forms T1232I.
Identifiers: ClinVar variation 3041563 (VCV003041563.2), dbSNP rs112787310, ClinGen allele CA2400004.